The following is an entry in ClinVar:

ClinVar aggregate classification (germline): Uncertain significance (1 of 4 stars; one submission).

Conditions:
Charcot-Marie-Tooth disease dominant intermediate E. Also called: CHARCOT-MARIE-TOOTH NEUROPATHY WITH FOCAL SEGMENTAL GLOMERULONEPHRITIS. Identifiers: Orphanet 93114, MedGen C4302667, MONDO:0013758, OMIM 614455.
Focal segmental glomerulosclerosis 5 (FSGS5). Identifiers: Orphanet 656, MedGen C2750475, MONDO:0013191, OMIM 613237.

Allele frequency attached by ClinVar (database versions not stated): gnomAD 0.00001; TOPMed 0.00001.
gnomAD v4.1: 2 of 1,613,002 alleles (0.00012%); highest among the groups gnomAD compares: African/African-American, 0.0013%; no homozygotes.

Submission:

Labcorp Genetics (formerly Invitae), Labcorp
Classification: Uncertain significance for Charcot-Marie-Tooth disease dominant intermediate E; Focal segmental glomerulosclerosis 5. Last evaluated: 2022-11-06. Review status: criteria provided, single submitter. Criteria: Invitae Variant Classification Sherloc (09022015). Collection method: clinical testing. Allele origin: germline.
Comment: This sequence change replaces leucine, which is neutral and non-polar, with phenylalanine, which is neutral and non-polar, at codon 641 of the INF2 protein (p.Leu641Phe). This variant is not present in population databases (gnomAD no frequency). This variant has not been reported in the literature in individuals affected with INF2-related conditions. Advanced modeling of protein sequence and biophysical properties (such as structural, functional, and spatial information, amino acid conservation, physicochemical variation, residue mobility, and thermodynamic stability) performed at Invitae indicates that this missense variant is not expected to disrupt INF2 protein function. In summary, the available evidence is currently insufficient to determine the role of this variant in disease. Therefore, it has been classified as a Variant of Uncertain Significance.

NM_022489.4(INF2):c.1921C>T (p.Leu641Phe)

Gene: INF2 (inverted formin 2; plus strand). Cytogenetic location: 14q32.33.
Variant type: single nucleotide variant.
Coding change: c.1921C>T on transcript NM_022489.4 (MANE Select); coding-DNA position 1921, C replaced by T.
Protein change: p.Leu641Phe; replaces leucine 641 with phenylalanine.
Molecular consequence: missense variant.
Genome position (GRCh38, 1-based): chr14:104,708,704, C>T. VCF-style: chr14-104708704-C-T. GRCh37 (hg19) VCF-style: chr14-105175041-C-T.
Other names: c.1921C>T, p.Leu641Phe (NM_001031714.4, NM_001426862.1, NM_001426863.1 and 2 more transcripts); short protein forms L641F.
Identifiers: ClinVar variation 2945615 (VCV002945615.3), dbSNP rs767711403, ClinGen allele CA391219067.